The following is an entry in ClinVar:

NM_024596.5(MCPH1):c.1441A>C (p.Ile481Leu)

Gene: MCPH1 (microcephalin 1; plus strand). Cytogenetic location: 8p23.1.
Variant type: single nucleotide variant.
Coding change: c.1441A>C on transcript NM_024596.5 (MANE Select); coding-DNA position 1441, A replaced by C.
Protein change: p.Ile481Leu; replaces isoleucine 481 with leucine.
Molecular consequence: missense variant. On other transcripts: non-coding transcript variant (1).
Genome position (GRCh38, 1-based): chr8:6,445,163, A>C. VCF-style: chr8-6445163-A-C. GRCh37 (hg19) VCF-style: chr8-6302684-A-C.
Other names: c.1441A>C, p.Ile481Leu (NM_001172574.2, NM_001322042.2, NM_001363979.1 and 3 more transcripts); c.1297A>C, p.Ile433Leu (NM_001172575.2); c.1435A>C, p.Ile479Leu (NM_001322043.2); c.1339A>C, p.Ile447Leu (NM_001322045.2); short protein forms I433L, I447L, I479L, I481L.
Identifiers: ClinVar variation 3624391 (VCV003624391.2).

ClinVar aggregate classification (germline): Uncertain significance (1 of 4 stars; one submission).

Submission:

Labcorp Genetics (formerly Invitae), Labcorp
Classification: Uncertain significance. Last evaluated: 2024-11-19. Review status: criteria provided, single submitter. Criteria: Invitae Variant Classification Sherloc (09022015). Collection method: clinical testing. Allele origin: germline.
Comment: This sequence change replaces isoleucine, which is neutral and non-polar, with leucine, which is neutral and non-polar, at codon 481 of the MCPH1 protein (p.Ile481Leu). This variant is not present in population databases (gnomAD no frequency). This variant has not been reported in the literature in individuals affected with MCPH1-related conditions. Invitae Evidence Modeling of protein sequence and biophysical properties (such as structural, functional, and spatial information, amino acid conservation, physicochemical variation, residue mobility, and thermodynamic stability) indicates that this missense variant is not expected to disrupt MCPH1 protein function with a negative predictive value of 80%. In summary, the available evidence is currently insufficient to determine the role of this variant in disease. Therefore, it has been classified as a Variant of Uncertain Significance.